The following is an entry in ClinVar:

NM_004656.4(BAP1):c.1902dup (p.Leu635fs)

Gene: BAP1 (BRCA1 associated deubiquitinase 1; minus strand). Cytogenetic location: 3p21.1.
Variant type: Duplication.
Coding change: c.1902dup on transcript NM_004656.4 (MANE Select); coding-DNA position 1902, one base duplicated (A; older notation c.1902dupA).
Protein change: p.Leu635fs; shifts the reading frame from leucine 635.
Molecular consequence: frameshift variant.
Genome position (GRCh38, 1-based): chr3:52,402,860, T duplicated on the plus strand (A on the coding strand, the reverse complement: BAP1 is on the minus strand). VCF-style (leftmost placement, unchanged base first): chr3-52402859-G-GT. GRCh37 (hg19) VCF-style: chr3-52436875-G-GT.
Other names: c.1848dup, p.Leu617fs (NM_001410772.1); short protein forms L617fs, L635fs.
Identifiers: ClinVar variation 4876017 (VCV004876017.1).
Genomic context (GRCh38, chr3:52,402,859, plus strand): 5'-CTACCTCCTCCTTGAGGCACGCCTCATAGTTTGCAATCTCAGCCTCCACACACTTCAGCA[G>GT]TGCCAGCAGCTCCTGCCAAAACCCAGCATTGCACCTCTGATCGGGGCGGGCCAGCAACAA-3'

ClinVar aggregate classification (germline): Pathogenic (1 of 4 stars; one submission).

Conditions:
BAP1-related tumor predisposition syndrome (TPDS1). Also called: Tumor susceptibility linked to germline BAP1 mutations; BAP1 tumor predisposition syndrome; TUMOR PREDISPOSITION SYNDROME 1; COMMON Syndrome. Identifiers: Orphanet 289539, MedGen C3280492, MONDO:0013692, OMIM 614327.

Submission:

Myriad Genetics, Inc.
Classification: Pathogenic for BAP1-related tumor predisposition syndrome. Last evaluated: 2026-04-23. Review status: criteria provided, single submitter. Criteria: Myriad Autosomal Dominant, Autosomal Recessive and X-Linked Classification Criteria (2023). Collection method: clinical testing. Allele origin: unknown.
Comment: This variant is considered pathogenic. This variant creates a frameshift predicted to result in premature protein truncation.